The following is an entry in ClinVar:

ClinVar aggregate classification (germline): Uncertain significance. Review status: criteria provided, multiple submitters, no conflicts (2 of 4 stars). 2 submissions from 2 submitters: Uncertain significance (2). Last evaluated 2026-05-04.

Conditions:
Dyskeratosis congenita, autosomal dominant 2. Identifiers: MedGen C3151443, MONDO:0013521, OMIM 613989.
Idiopathic Pulmonary Fibrosis. Also called: Idiopathic fibrosing alveolitis, chronic form; idiopathic fibrosing alveolitis. Identifiers: Orphanet 2032, MedGen C1800706, MeSH D054990, MONDO:0800504.
Dyskeratosis congenita. Identifiers: Orphanet 1775, MedGen C0265965, MONDO:0015780.

Allele frequency attached by ClinVar (database versions not stated): TOPMed below 0.00001.

Submissions (2):

Ambry Genetics
Classification: Uncertain significance for Dyskeratosis congenita. Last evaluated: 2026-05-04. Review status: criteria provided, single submitter. Criteria: Ambry Variant Classification Scheme 2023. Collection method: clinical testing. Allele origin: germline.
Comment: The p.S335P variant (also known as c.1003T>C), located in coding exon 2 of the TERT gene, results from a T to C substitution at nucleotide position 1003. The serine at codon 335 is replaced by proline, an amino acid with similar properties. This amino acid position is conserved. In addition, this alteration is predicted to be tolerated by in silico analysis. Based on the available evidence, the clinical significance of this variant remains unclear.

Labcorp Genetics (formerly Invitae), Labcorp
Classification: Uncertain significance for Dyskeratosis congenita, autosomal dominant 2; Idiopathic Pulmonary Fibrosis. Last evaluated: 2021-08-31. Review status: criteria provided, single submitter. Criteria: Invitae Variant Classification Sherloc (09022015). Collection method: clinical testing. Allele origin: germline.
Comment: This sequence change replaces serine with proline at codon 335 of the TERT protein (p.Ser335Pro). The serine residue is moderately conserved and there is a moderate physicochemical difference between serine and proline. This variant is not present in population databases (ExAC no frequency). This variant has not been reported in the literature in individuals affected with TERT-related conditions. Algorithms developed to predict the effect of missense changes on protein structure and function output the following: SIFT: "Tolerated"; PolyPhen-2: "Benign"; Align-GVGD: "Class C0". The proline amino acid residue is found in multiple mammalian species, which suggests that this missense change does not adversely affect protein function. In summary, the available evidence is currently insufficient to determine the role of this variant in disease. Therefore, it has been classified as a Variant of Uncertain Significance.

NM_198253.3(TERT):c.1003T>C (p.Ser335Pro)

Gene: TERT (telomerase reverse transcriptase; minus strand). Cytogenetic location: 5p15.33.
Variant type: single nucleotide variant.
Coding change: c.1003T>C on transcript NM_198253.3 (MANE Select); coding-DNA position 1003, T replaced by C.
Protein change: p.Ser335Pro; replaces serine 335 with proline.
Molecular consequence: missense variant. On other transcripts: non-coding transcript variant (2).
Genome position (GRCh38, 1-based): chr5:1,293,883, A>G on the plus strand (T>C on the coding strand, the complement: TERT is on the minus strand). VCF-style: chr5-1293883-A-G. GRCh37 (hg19) VCF-style: chr5-1293998-A-G.
Other names: c.1003T>C, p.Ser335Pro (NM_001193376.3); short protein forms S335P.
Identifiers: ClinVar variation 944292 (VCV000944292.8), dbSNP rs1478631964, ClinGen allele CA359055977.